The following is an entry in ClinVar:

ClinVar aggregate classification (germline): Pathogenic (1 of 4 stars; one submission).

Conditions:
Familial adenomatous polyposis 1 (FAP1). Also called: POLYPOSIS, ADENOMATOUS INTESTINAL; FAMILIAL ADENOMATOUS POLYPOSIS 1, ATTENUATED. Identifiers: MedGen C2713442, MONDO:0021056, OMIM 175100. Disease mechanism: loss of function.

Submission:

Labcorp Genetics (formerly Invitae), Labcorp
Classification: Pathogenic for Familial adenomatous polyposis 1. Last evaluated: 2023-08-03. Review status: criteria provided, single submitter. Criteria: Invitae Variant Classification Sherloc (09022015). Collection method: clinical testing. Allele origin: germline.
Comment: This sequence change creates a premature translational stop signal (p.Leu479Tyrfs*20) in the APC gene. It is expected to result in an absent or disrupted protein product. Loss-of-function variants in APC are known to be pathogenic (PMID: 17963004, 20685668). This variant is not present in population databases (gnomAD no frequency). This variant has not been reported in the literature in individuals affected with APC-related conditions. For these reasons, this variant has been classified as Pathogenic.

Literature cited by the submitters: PubMed 17963004; PubMed 20685668.

NM_000038.6(APC):c.1434_1435dup (p.Leu479fs)

Gene: APC (APC regulator of Wnt signaling pathway; plus strand). Cytogenetic location: 5q22.2.
Variant type: Duplication.
Coding change: c.1434_1435dup on transcript NM_000038.6 (MANE Select); coding-DNA positions 1434 to 1435, 2 bases duplicated (AT; older notation c.1434_1435dupAT).
Protein change: p.Leu479fs; shifts the reading frame from leucine 479.
Molecular consequence: frameshift variant.
Genome position (GRCh38, 1-based): chr5:112,827,133-112,827,134, AT duplicated; duplicating any 2 consecutive bases within chr5:112,827,132-112,827,134 gives the same sequence; the c. name uses the placement nearest the transcript's 3' end. VCF-style (leftmost placement, unchanged base first): chr5-112827131-T-TTA. GRCh37 (hg19) VCF-style: chr5-112162828-T-TTA.
Other names: c.1434_1435dup, p.Leu479fs (NM_001127510.3, NM_001354895.2, NM_001407450.1); c.1380_1381dup, p.Leu461fs (NM_001127511.3); c.1488_1489dup, p.Leu497fs (NM_001354896.2, NM_001407447.1, NM_001407448.1 and 1 more transcripts); c.1464_1465dup, p.Leu489fs (NM_001354897.2); c.1359_1360dup, p.Leu454fs (NM_001354898.2); c.1350_1351dup, p.Leu451fs (NM_001354899.2); c.1311_1312dup, p.Leu438fs (NM_001354900.2); c.1257_1258dup, p.Leu420fs (NM_001354901.2, NM_001407453.1); and 11 more; short protein forms L196fs, L438fs, L451fs, L479fs, L489fs, L95fs, L350fs, L353fs.
Identifiers: ClinVar variation 2749868 (VCV002749868.3), dbSNP rs2533193599, ClinGen allele CA2697546177.